The following is an entry in ClinVar:

NM_004448.4(ERBB2):c.2535C>T (p.Asp845=)

Gene: ERBB2 (erb-b2 receptor tyrosine kinase 2; plus strand). Cytogenetic location: 17q12.
Variant type: single nucleotide variant.
Coding change: c.2535C>T on transcript NM_004448.4 (MANE Select); coding-DNA position 2535, C replaced by T.
Protein change: p.Asp845=; no amino-acid change (aspartic acid 845 retained).
Molecular consequence: synonymous variant. On other transcripts: non-coding transcript variant (1), intron variant (3).
Genome position (GRCh38, 1-based): chr17:39,725,090, C>T. VCF-style: chr17-39725090-C-T. GRCh37 (hg19) VCF-style: chr17-37881343-C-T.
Other names: c.2652C>T, p.Asp884= (NM_001382784.1); c.2637C>T, p.Asp879= (NM_001382785.1); c.2616C>T, p.Asp872= (NM_001382786.1); c.2610C>T, p.Asp870= (NM_001382787.1); c.2565C>T, p.Asp855= (NM_001382788.1); c.2445C>T, p.Asp815= (NM_001005862.3, NM_001382782.1, NM_001382783.1); c.2490C>T, p.Asp830= (NM_001289936.2); c.2535C>T, p.Asp845= (NM_001289937.2, NM_001382796.1); and 15 more.
Identifiers: ClinVar variation 133279 (VCV000133279.2), dbSNP rs137852788, ClinGen allele CA269884.

ClinVar aggregate classification (germline): not provided (0 of 4 stars; one submission).

Conditions:
Familial cancer of breast. Also called: BREAST CANCER, FAMILIAL; hereditary breast carcinoma; Hereditary breast cancer. Identifiers: Orphanet 227535, MedGen C0346153, MONDO:0016419, OMIM 114480. Disease mechanism: loss of function.

Submission:

Laboratory of Translational Genomics,  National Cancer Institute
No classification provided. Condition: Familial cancer of breast. Review status: no classification provided. Collection method: not provided. Allele origin: somatic.
Comment: Breast Cancer specimen